The following is an entry in ClinVar:

NM_001290321.3(DMXL1):c.585T>G (p.Val195=)

Gene: DMXL1 (Dmx like 1; plus strand). Cytogenetic location: 5q23.1.
Variant type: single nucleotide variant.
Coding change: c.585T>G on transcript NM_001290321.3 (MANE Select); coding-DNA position 585, T replaced by G.
Protein change: p.Val195=; no amino-acid change (valine 195 retained).
Molecular consequence: synonymous variant. On other transcripts: non-coding transcript variant (3).
Genome position (GRCh38, 1-based): chr5:119,116,178, T>G. VCF-style: chr5-119116178-T-G. GRCh37 (hg19) VCF-style: chr5-118451873-T-G.
Other names: NC_000005.9:g.118451873T>G; c.585T>G, p.Val195= (NM_001349239.2, NM_001349240.2, NM_001387933.1 and 4 more transcripts).
Identifiers: ClinVar variation 3059735 (VCV003059735.3), dbSNP rs76268053, ClinGen allele CA3379171.
Genomic context (GRCh38, chr5:119,116,178, plus strand): 5'-TGATCTCCATGATTTTCTGTTTTGTTTTTTTTTTCCTTAGGATGACTGTCTTTTGAAGGT[T>G]TGGTATAATGTAGAAAACTGGCGGACAGCTGTTACTTCTCCAGATGGAAGTTCAGAAAAA-3'
Protein context (NP_001277250.1, residues 185-205): TAGKDDCLLK[Val195=]WYNVENWRTA

ClinVar aggregate classification (germline): Benign (0 of 4 stars; one submission).

Conditions:
DMXL1-related disorder. Also called: DMXL1-related condition.

Allele frequency attached by ClinVar (database versions not stated): gnomAD exomes 0.00750; ExAC 0.02231; gnomAD 0.03984; ESP Exome Variant Server 0.04253; TOPMed 0.04629; 1000 Genomes Project 0.04792; 1000 Genomes Project 30x 0.05106.
gnomAD v4.1: 17,345 of 1,611,728 alleles (1.1%); highest among the groups gnomAD compares: African/African-American, 13%; 757 homozygotes.

Submissions (9):

PreventionGenetics, part of Exact Sciences
Classification: Benign for DMXL1-related condition. Last evaluated: 2019-02-28. Review status: no assertion criteria provided. Collection method: clinical testing. Allele origin: germline.
Comment: This variant is classified as benign based on ACMG/AMP sequence variant interpretation guidelines (Richards et al. 2015 PMID: 25741868, with internal and published modifications).

Dr. Peter K. Rogan Lab, Western University
No classification provided (evidence only). Condition: Uterine corpus endometrial carcinoma. Review status: no classification provided. Collection method: in vitro. Allele origin: not applicable. Functional consequence: retained intron. Not counted in ClinVar's aggregate classification.

Dr. Peter K. Rogan Lab, Western University
No classification provided (evidence only). Condition: Uterine corpus endometrial carcinoma. Review status: no classification provided. Collection method: in vitro. Allele origin: not applicable. Functional consequence: retained intron. Not counted in ClinVar's aggregate classification.

Dr. Peter K. Rogan Lab, Western University
No classification provided (evidence only). Condition: Cervical cancer. Review status: no classification provided. Collection method: in vitro. Allele origin: not applicable. Functional consequence: retained intron. Not counted in ClinVar's aggregate classification.

Dr. Peter K. Rogan Lab, Western University
No classification provided (evidence only). Condition: Cervical cancer. Review status: no classification provided. Collection method: in vitro. Allele origin: not applicable. Functional consequence: retained intron. Not counted in ClinVar's aggregate classification.

Dr. Peter K. Rogan Lab, Western University
No classification provided (evidence only). Condition: Cholangiocarcinoma. Review status: no classification provided. Collection method: in vitro. Allele origin: not applicable. Functional consequence: retained intron. Not counted in ClinVar's aggregate classification.

Dr. Peter K. Rogan Lab, Western University
No classification provided (evidence only). Condition: Gastric cancer. Review status: no classification provided. Collection method: in vitro. Allele origin: not applicable. Functional consequence: retained intron. Not counted in ClinVar's aggregate classification.

Dr. Peter K. Rogan Lab, Western University
No classification provided (evidence only). Condition: Gastric cancer. Review status: no classification provided. Collection method: in vitro. Allele origin: not applicable. Functional consequence: retained intron. Not counted in ClinVar's aggregate classification.

Dr. Peter K. Rogan Lab, Western University
No classification provided (evidence only). Condition: Gastric cancer. Review status: no classification provided. Collection method: in vitro. Allele origin: not applicable. Functional consequence: retained intron. Not counted in ClinVar's aggregate classification.